The following is an entry in ClinVar:

ClinVar aggregate classification (germline): Likely benign. Review status: criteria provided, multiple submitters, no conflicts (2 of 4 stars). 4 submissions from 4 submitters: Likely benign (3). 1 of the submissions does not count toward it. Last evaluated 2024-11-11.

Conditions:
STK36-related disorder. Also called: STK36-related condition.

Allele frequency attached by ClinVar (database versions not stated): 1000 Genomes Project 0.00180; 1000 Genomes Project 30x 0.00234; ExAC 0.00255; gnomAD exomes 0.00256 and 0.00361; ESP Exome Variant Server 0.00269; gnomAD 0.00269 and 0.00272; TOPMed 0.00288.
gnomAD v4.1: 5,617 of 1,614,150 alleles (0.35%); highest among the groups gnomAD compares: Non-Finnish European, 0.44%; 16 homozygotes.

Submissions (4):

Blueprint Genetics
Classification: Likely benign. Last evaluated: 2024-11-11. Review status: criteria provided, single submitter. Criteria: ACMG Guidelines, 2015. Collection method: clinical testing. Allele origin: germline.

CeGaT Center for Human Genetics Tuebingen
Classification: Likely benign. Last evaluated: 2023-12-01. Review status: criteria provided, single submitter. Criteria: CeGaT Center For Human Genetics Tuebingen Variant Classification Criteria Version 2. Collection method: clinical testing. Allele origin: germline. Affected: yes. Observed: 3 variant alleles.
Comment: STK36: BP4, BS2

Labcorp Genetics (formerly Invitae), Labcorp
Classification: Likely benign. Last evaluated: 2019-12-31. Review status: criteria provided, single submitter. Criteria: Invitae Variant Classification Sherloc (09022015). Collection method: clinical testing. Allele origin: germline.

PreventionGenetics, part of Exact Sciences
Classification: Likely benign for STK36-related condition. Last evaluated: 2022-02-01. Review status: no assertion criteria provided. Collection method: clinical testing. Allele origin: germline. Not counted in ClinVar's aggregate classification.
Comment: This variant is classified as likely benign based on ACMG/AMP sequence variant interpretation guidelines (Richards et al. 2015 PMID: 25741868, with internal and published modifications).

NM_015690.5(STK36):c.3838T>C (p.Ser1280Pro)

Gene: STK36 (serine/threonine kinase 36; plus strand). Cytogenetic location: 2q35.
Variant type: single nucleotide variant.
Coding change: c.3838T>C on transcript NM_015690.5 (MANE Select); coding-DNA position 3838, T replaced by C.
Protein change: p.Ser1280Pro; replaces serine 1280 with proline.
Molecular consequence: missense variant.
Genome position (GRCh38, 1-based): chr2:218,701,899, T>C. VCF-style: chr2-218701899-T-C. GRCh37 (hg19) VCF-style: chr2-219566622-T-C.
Other names: c.3775T>C, p.Ser1259Pro (NM_001243313.2); c.3838T>C, p.Ser1280Pro (NM_001369423.1); short protein forms S1259P, S1280P.
Identifiers: ClinVar variation 783208 (VCV000783208.40), dbSNP rs147792143, ClinGen allele CA2111483.